The following is an entry in ClinVar:

ClinVar aggregate classification (germline): Uncertain significance (1 of 4 stars; one submission).

Submission:

CeGaT Center for Human Genetics Tuebingen
Classification: Uncertain significance. Last evaluated: 2025-08-01. Review status: criteria provided, single submitter. Criteria: CeGaT Center For Human Genetics Tuebingen Variant Classification Criteria Version 2. Collection method: clinical testing. Allele origin: germline. Affected: yes. Observed: 1 variant allele.
Comment: ACTG1: PM2, PP2, PP3

NM_001614.5(ACTG1):c.665A>G (p.Asp222Gly)

Gene: ACTG1 (actin gamma 1; minus strand). Cytogenetic location: 17q25.3.
Variant type: single nucleotide variant.
Coding change: c.665A>G on transcript NM_001614.5 (MANE Select); coding-DNA position 665, A replaced by G.
Protein change: p.Asp222Gly; replaces aspartic acid 222 with glycine.
Molecular consequence: missense variant. On other transcripts: non-coding transcript variant (1).
Genome position (GRCh38, 1-based): chr17:81,511,325, T>C on the plus strand (A>G on the coding strand, the complement: ACTG1 is on the minus strand). VCF-style: chr17-81511325-T-C. GRCh37 (hg19) VCF-style: chr17-79478351-T-C.
Other names: c.665A>G, p.Asp222Gly (NM_001199954.3); short protein forms D222G.
Identifiers: ClinVar variation 4085873 (VCV004085873.8).